The following is an entry in ClinVar:

ClinVar aggregate classification (germline): Uncertain significance (1 of 4 stars; one submission).

Submission:

Ambry Genetics
Classification: Uncertain significance. Last evaluated: 2026-05-30. Review status: criteria provided, single submitter. Criteria: Ambry Variant Classification Scheme 2023. Collection method: clinical testing. Allele origin: germline.
Comment: The p.Q37R variant (also known as c.110A>G), located in coding exon 2 of the RECQL gene, results from an A to G substitution at nucleotide position 110. The glutamine at codon 37 is replaced by arginine, an amino acid with highly similar properties. This amino acid position is conserved. In addition, the in silico prediction for this alteration is inconclusive. Based on the available evidence, the clinical significance of this variant remains unclear.

NM_002907.4(RECQL):c.110A>G (p.Gln37Arg)

Gene: RECQL (RecQ like helicase; minus strand). Cytogenetic location: 12p12.1.
Variant type: single nucleotide variant.
Coding change: c.110A>G on transcript NM_002907.4 (MANE Select); coding-DNA position 110, A replaced by G.
Protein change: p.Gln37Arg; replaces glutamine 37 with arginine.
Molecular consequence: missense variant.
Genome position (GRCh38, 1-based): chr12:21,491,623, T>C on the plus strand (A>G on the coding strand, the complement: RECQL is on the minus strand). VCF-style: chr12-21491623-T-C. GRCh37 (hg19) VCF-style: chr12-21644557-T-C.
Other names: c.110A>G, p.Gln37Arg (NM_032941.3); short protein forms Q37R.
Identifiers: ClinVar variation 4863131 (VCV004863131.1).